The following is an entry in ClinVar:

NM_002303.6(LEPR):c.1062T>C (p.Tyr354=)

Gene: LEPR (leptin receptor; plus strand). Cytogenetic location: 1p31.3.
Variant type: single nucleotide variant.
Coding change: c.1062T>C on transcript NM_002303.6 (MANE Select); coding-DNA position 1062, T replaced by C.
Protein change: p.Tyr354=; no amino-acid change (tyrosine 354 retained).
Molecular consequence: synonymous variant.
Genome position (GRCh38, 1-based): chr1:65,601,459, T>C. VCF-style: chr1-65601459-T-C. GRCh37 (hg19) VCF-style: chr1-66067142-T-C.
Other names: c.1062T>C, p.Tyr354= (NM_001003679.3, NM_001003680.3, NM_001198687.2 and 2 more transcripts).
Identifiers: ClinVar variation 4987916 (VCV004987916.1).

ClinVar aggregate classification (germline): Likely benign (1 of 4 stars; one submission).

Conditions:
LEPR-related disorder. Also called: LEPR-related disorders; LEPR-related condition.

gnomAD v4.1: 6 of 1,613,536 alleles (0.00037%); highest among the groups gnomAD compares: Admixed American, 0.0067%; no homozygotes.

Submission:

PreventionGenetics, part of Exact Sciences
Classification: Likely benign for LEPR-related condition. Last evaluated: 2025-02-26. Review status: criteria provided, single submitter. Criteria: ACMG Guidelines, 2015. Collection method: clinical testing. Allele origin: germline.
Comment: This variant is classified as likely benign based on ACMG/AMP sequence variant interpretation guidelines (Richards et al. 2015 PMID: 25741868, with internal and published modifications).